The following is an entry in ClinVar:

NC_000008.10:g.(?_6264147)_(6293684_6296473)del

Gene: MCPH1 (microcephalin 1; plus strand). Cytogenetic location: 8p23.1.
Variant type: Deletion.
Identifiers: ClinVar variation 4847982 (VCV004847982.1).

ClinVar aggregate classification (germline): Pathogenic (1 of 4 stars; one submission).

Conditions:
Autosomal recessive primary microcephaly. Identifiers: Orphanet 2512, MedGen C3711387, MONDO:0016660.

Submission:

Women's Health and Genetics/Laboratory Corporation of America, LabCorp
Classification: Pathogenic for Autosomal recessive primary microcephaly. Last evaluated: 2026-02-09. Review status: criteria provided, single submitter. Criteria: LabCorp Variant Classification Summary - May 2015. Collection method: clinical testing. Allele origin: germline.
Comment: Variant summary: The variant involves the deletion of exons 1-5 in the MCPH1 gene. The exact breakpoint at the 5' end of this variant is unknown, therefore this deletion may extend upstream of the annotated region of this gene. Although the exact breakpoints of this deletion are not known, it is predicted to remove the initiation codon and result in an absence of protein or a truncation of the encoded protein due to translation initiation at a downstream site. Loss-of-function variants in this gene are known to be pathogenic. A presumed nomenclature of c.(?_-42)_(436+1_437-1)del has been designated for the purposes of this classification. The variant was absent in 20558 control chromosomes. To our knowledge, no occurrence of c.(?_-42)_(436+1_437-1)del in individuals affected with MCPH1-related conditions and no experimental evidence demonstrating its impact on protein function have been reported. ClinVar contains an entry for this variant (Variation ID: 3245600). Based on the evidence outlined above, the variant was classified as pathogenic.